The following is an entry in ClinVar:

NM_000465.4(BARD1):c.2013G>C (p.Leu671=)

Gene: BARD1 (BRCA1 associated RING domain 1; minus strand). Cytogenetic location: 2q35.
Variant type: single nucleotide variant.
Coding change: c.2013G>C on transcript NM_000465.4 (MANE Select); coding-DNA position 2013, G replaced by C.
Protein change: p.Leu671=; no amino-acid change (leucine 671 retained).
Molecular consequence: synonymous variant. On other transcripts: non-coding transcript variant (3).
Genome position (GRCh38, 1-based): chr2:214,728,997, C>G on the plus strand (G>C on the coding strand, the complement: BARD1 is on the minus strand). VCF-style: chr2-214728997-C-G. GRCh37 (hg19) VCF-style: chr2-215593721-C-G.
Other names: c.1956G>C, p.Leu652= (NM_001282543.2); c.660G>C, p.Leu220= (NM_001282545.2); c.603G>C, p.Leu201= (NM_001282548.2); c.474G>C, p.Leu158= (NM_001282549.2).
Identifiers: ClinVar variation 1603602 (VCV001603602.10), dbSNP rs759021562, ClinGen allele CA431394178.

ClinVar aggregate classification (germline): Benign/Likely benign. Review status: criteria provided, multiple submitters, no conflicts (2 of 4 stars). 2 submissions from 2 submitters: Benign (1); Likely benign (1). Last evaluated 2024-07-29.

Conditions:
Familial cancer of breast. Also called: BREAST CANCER, FAMILIAL; hereditary breast carcinoma; Hereditary breast cancer. Identifiers: Orphanet 227535, MedGen C0346153, MONDO:0016419, OMIM 114480. Disease mechanism: loss of function.

Submissions (2):

Myriad Genetics, Inc.
Classification: Benign for Familial cancer of breast. Last evaluated: 2024-07-29. Review status: criteria provided, single submitter. Criteria: Myriad Autosomal Dominant, Autosomal Recessive and X-Linked Classification Criteria (2023). Collection method: clinical testing. Allele origin: unknown.
Comment: This variant is considered benign. This variant is a silent/synonymous amino acid change and it is not expected to impact splicing.

Labcorp Genetics (formerly Invitae), Labcorp
Classification: Likely benign for Familial cancer of breast. Last evaluated: 2023-04-28. Review status: criteria provided, single submitter. Criteria: Invitae Variant Classification Sherloc (09022015). Collection method: clinical testing. Allele origin: germline.